The following is an entry in ClinVar:

NM_000059.4(BRCA2):c.10189T>C (p.Ser3397Pro)

Gene: BRCA2 (BRCA2 DNA repair associated; plus strand). Cytogenetic location: 13q13.1.
Variant type: single nucleotide variant.
Coding change: c.10189T>C on transcript NM_000059.4 (MANE Select); coding-DNA position 10189, T replaced by C.
Protein change: p.Ser3397Pro; replaces serine 3397 with proline.
Molecular consequence: missense variant. On other transcripts: non-coding transcript variant (1).
Genome position (GRCh38, 1-based): chr13:32,398,702, T>C. VCF-style: chr13-32398702-T-C. GRCh37 (hg19) VCF-style: chr13-32972839-T-C.
Other names: c.10093T>C, p.Ser3365Pro (NM_001406719.1); c.10138T>C, p.Ser3380Pro (NM_001406720.1); c.5257T>C, p.Ser1753Pro (NM_001406721.1); c.3772T>C, p.Ser1258Pro (NM_001406722.1); short protein forms S3365P, S3397P, S1753P, S1258P, S3380P.
Identifiers: ClinVar variation 2876706 (VCV002876706.4), dbSNP rs876660044, ClinGen allele CA387768349.

ClinVar aggregate classification (germline): Uncertain significance. Review status: criteria provided, multiple submitters, no conflicts (2 of 4 stars). 2 submissions from 2 submitters: Uncertain significance (2). Last evaluated 2024-11-21.

Conditions:
Hereditary breast ovarian cancer syndrome. Also called: BRCA1- and BRCA2-Associated Hereditary Breast and Ovarian Cancer; Hereditary breast and ovarian cancer syndrome; Breast and ovarian cancer; Hereditary breast and ovarian cancer; Hereditary breast and ovarian cancer syndrome (HBOC); Hereditary breast and/or ovarian cancer syndrome. Identifiers: Orphanet 145, MedGen C0677776, MeSH D061325, MONDO:0003582. Disease mechanism: loss of function.
Hereditary cancer-predisposing syndrome. Also called: Hereditary Cancer Syndrome; Hereditary neoplastic syndrome; Tumor predisposition; Neoplastic Syndromes, Hereditary. Identifiers: Orphanet 140162, MedGen C0027672, MeSH D009386, MONDO:0015356.

Submissions (2):

Ambry Genetics
Classification: Uncertain significance for Hereditary cancer-predisposing syndrome. Last evaluated: 2024-11-21. Review status: criteria provided, single submitter. Criteria: Ambry Variant Classification Scheme 2023. Collection method: clinical testing. Allele origin: germline.
Comment: The p.S3397P variant (also known as c.10189T>C), located in coding exon 26 of the BRCA2 gene, results from a T to C substitution at nucleotide position 10189. The serine at codon 3397 is replaced by proline, an amino acid with similar properties. This amino acid position is conserved. In addition, this alteration is predicted to be tolerated by in silico analysis. Based on the available evidence, the clinical significance of this variant remains unclear.

Labcorp Genetics (formerly Invitae), Labcorp
Classification: Uncertain significance for Hereditary breast ovarian cancer syndrome. Last evaluated: 2023-03-03. Review status: criteria provided, single submitter. Criteria: Invitae Variant Classification Sherloc (09022015). Collection method: clinical testing. Allele origin: germline.
Comment: This sequence change replaces serine, which is neutral and polar, with proline, which is neutral and non-polar, at codon 3397 of the BRCA2 protein (p.Ser3397Pro). In summary, the available evidence is currently insufficient to determine the role of this variant in disease. Therefore, it has been classified as a Variant of Uncertain Significance. Advanced modeling of protein sequence and biophysical properties (such as structural, functional, and spatial information, amino acid conservation, physicochemical variation, residue mobility, and thermodynamic stability) performed at Invitae indicates that this missense variant is not expected to disrupt BRCA2 protein function. This variant has not been reported in the literature in individuals affected with BRCA2-related conditions. This variant is not present in population databases (gnomAD no frequency).